The following is an entry in ClinVar:

ClinVar aggregate classification (germline): Uncertain significance (1 of 4 stars; one submission).

Conditions:
Peroxisome biogenesis disorder. Identifiers: Orphanet 79189, MedGen C1832200, MONDO:0019234. Disease mechanism: loss of function.

Submission:

Labcorp Genetics (formerly Invitae), Labcorp
Classification: Uncertain significance for Peroxisome biogenesis disorder. Last evaluated: 2020-08-28. Review status: criteria provided, single submitter. Criteria: Invitae Variant Classification Sherloc (09022015). Collection method: clinical testing. Allele origin: germline.
Comment: This variant has not been reported in the literature in individuals with PEX6-related conditions. In summary, the available evidence is currently insufficient to determine the role of this variant in disease. Therefore, it has been classified as a Variant of Uncertain Significance. Algorithms developed to predict the effect of missense changes on protein structure and function output the following: SIFT: "Tolerated"; PolyPhen-2: "Benign"; Align-GVGD: "Class C0". The serine amino acid residue is found in multiple mammalian species, suggesting that this missense change does not adversely affect protein function. These predictions have not been confirmed by published functional studies and their clinical significance is uncertain. This variant is not present in population databases (ExAC no frequency). This sequence change replaces glycine with serine at codon 542 of the PEX6 protein (p.Gly542Ser). The glycine residue is moderately conserved and there is a small physicochemical difference between glycine and serine.

NM_000287.4(PEX6):c.1624G>A (p.Gly542Ser)

Gene: PEX6 (peroxisomal biogenesis factor 6; minus strand). Cytogenetic location: 6p21.1.
Variant type: single nucleotide variant.
Coding change: c.1624G>A on transcript NM_000287.4 (MANE Select); coding-DNA position 1624, G replaced by A.
Protein change: p.Gly542Ser; replaces glycine 542 with serine.
Molecular consequence: missense variant. On other transcripts: non-coding transcript variant (1).
Genome position (GRCh38, 1-based): chr6:42,968,354, C>T on the plus strand (G>A on the coding strand, the complement: PEX6 is on the minus strand). VCF-style: chr6-42968354-C-T. GRCh37 (hg19) VCF-style: chr6-42936092-C-T.
Other names: c.1360G>A, p.Gly454Ser (NM_001316313.2); short protein forms G454S, G542S.
Identifiers: ClinVar variation 1024918 (VCV001024918.9), dbSNP rs1769923693, ClinGen allele CA364154210.